The following is an entry in ClinVar:

NM_014639.4(SKIC3):c.505G>C (p.Glu169Gln)

Gene: SKIC3 (SKI3 subunit of superkiller complex; minus strand). Cytogenetic location: 5q15.
Variant type: single nucleotide variant.
Coding change: c.505G>C on transcript NM_014639.4 (MANE Select); coding-DNA position 505, G replaced by C.
Protein change: p.Glu169Gln; replaces glutamic acid 169 with glutamine.
Molecular consequence: missense variant.
Genome position (GRCh38, 1-based): chr5:95,540,728, C>G on the plus strand (G>C on the coding strand, the complement: SKIC3 is on the minus strand). VCF-style: chr5-95540728-C-G. GRCh37 (hg19) VCF-style: chr5-94876432-C-G.
Other names: short protein forms E169Q.
Identifiers: ClinVar variation 1365056 (VCV001365056.5), dbSNP rs1264848988, ClinGen allele CA360443242.

ClinVar aggregate classification (germline): Uncertain significance (1 of 4 stars; one submission).

Submission:

Labcorp Genetics (formerly Invitae), Labcorp
Classification: Uncertain significance. Last evaluated: 2021-08-27. Review status: criteria provided, single submitter. Criteria: Invitae Variant Classification Sherloc (09022015). Collection method: clinical testing. Allele origin: germline.
Comment: This sequence change replaces glutamic acid with glutamine at codon 169 of the TTC37 protein (p.Glu169Gln). The glutamic acid residue is weakly conserved and there is a small physicochemical difference between glutamic acid and glutamine. This variant is not present in population databases (ExAC no frequency). This variant has not been reported in the literature in individuals affected with TTC37-related conditions. Algorithms developed to predict the effect of missense changes on protein structure and function are either unavailable or do not agree on the potential impact of this missense change (SIFT: "Tolerated"; PolyPhen-2: "Possibly Damaging"; Align-GVGD: "Class C0"). In summary, the available evidence is currently insufficient to determine the role of this variant in disease. Therefore, it has been classified as a Variant of Uncertain Significance.